The following is an entry in ClinVar:

ClinVar aggregate classification (germline): Likely pathogenic (1 of 4 stars; one submission).

Conditions:
SPTB-related disorder. Also called: SPTB-Related Disorders; SPTB-related condition.

Submission:

PreventionGenetics, part of Exact Sciences
Classification: Likely pathogenic for SPTB-related condition. Last evaluated: 2024-12-20. Review status: criteria provided, single submitter. Criteria: ACMG Guidelines, 2015. Collection method: clinical testing. Allele origin: germline.
Comment: The SPTB c.718delG variant is predicted to result in a frameshift and premature protein termination (p.Val240Trpfs*41). To our knowledge, this variant has not been reported in the literature or in a large population database (gnomAD), indicating this variant is rare. Frameshift variants in SPTB are expected to be pathogenic. This variant is interpreted as likely pathogenic.

NM_001355436.2(SPTB):c.718del (p.Val240fs)

Gene: SPTB (spectrin beta, erythrocytic; minus strand). Cytogenetic location: 14q23.3.
Variant type: Deletion.
Coding change: c.718del on transcript NM_001355436.2 (MANE Select); coding-DNA position 718, one base deleted (G; older notation c.718delG).
Protein change: p.Val240fs; shifts the reading frame from valine 240.
Molecular consequence: frameshift variant.
Genome position (GRCh38, 1-based): chr14:64,801,330, C deleted on the plus strand (G on the coding strand, the reverse complement: SPTB is on the minus strand). VCF-style (leftmost placement, unchanged base first): chr14-64801329-AC-A. GRCh37 (hg19) VCF-style: chr14-65268047-AC-A.
Other names: c.718del, p.Val240fs (NM_001024858.4, NM_001355437.2); short protein forms V240fs.
Identifiers: ClinVar variation 5000739 (VCV005000739.1).